The following is an entry in ClinVar:

NM_000051.4(ATM):c.8776G>A (p.Val2926Ile)

Genes: ATM (ATM serine/threonine kinase; plus strand), C11orf65 (chromosome 11 open reading frame 65; minus strand). Cytogenetic location: 11q22.3.
Variant type: single nucleotide variant.
Coding change: c.8776G>A on transcript NM_000051.4 (MANE Select); coding-DNA position 8776, G replaced by A.
Protein change: p.Val2926Ile; replaces valine 2926 with isoleucine.
Molecular consequence: missense variant. On other transcripts: intron variant (2).
Genome position (GRCh38, 1-based): chr11:108,353,870, G>A. VCF-style: chr11-108353870-G-A. GRCh37 (hg19) VCF-style: chr11-108224597-G-A.
Other names: c.8776G>A, p.Val2926Ile (NM_001351834.2); c.640+32050C>T (NM_001330368.2); c.695-18578C>T (NM_001351110.2); short protein forms V2926I.
Identifiers: ClinVar variation 1058540 (VCV001058540.10), dbSNP rs2137296380, ClinGen allele CA382524292.

ClinVar aggregate classification (germline): Uncertain significance. Review status: criteria provided, multiple submitters, no conflicts (2 of 4 stars). 2 submissions from 2 submitters: Uncertain significance (2). Last evaluated 2026-07-23.

Conditions:
Hereditary cancer-predisposing syndrome. Also called: Neoplastic Syndromes, Hereditary; Tumor predisposition; Hereditary Cancer Syndrome; Hereditary neoplastic syndrome. Identifiers: Orphanet 140162, MedGen C0027672, MeSH D009386, MONDO:0015356.
Ataxia-telangiectasia syndrome (AT). Also called: Ataxia telangiectasia (A-T); ATAXIA-TELANGIECTASIA, COMPLEMENTATION GROUP A; ATAXIA-TELANGIECTASIA, FRESNO VARIANT; Ataxia-telangiectasia; Ataxia-telangiectasia, complementation group E; LOUIS-BAR SYNDROME. Identifiers: Orphanet 100, MedGen C0004135, MONDO:0008840, OMIM 208900.

Submissions (2):

Ambry Genetics
Classification: Uncertain significance for Hereditary cancer-predisposing syndrome. Last evaluated: 2026-07-23. Review status: criteria provided, single submitter. Criteria: Ambry Variant Classification Scheme 2023. Collection method: clinical testing. Allele origin: germline.
Comment: The p.V2926I variant (also known as c.8776G>A), located in coding exon 59 of the ATM gene, results from a G to A substitution at nucleotide position 8776. The valine at codon 2926 is replaced by isoleucine, an amino acid with highly similar properties. In an assay testing ATM function, this variant showed a functionally indeterminant result (Lee KS et al. Cell, 2025 Sep;188:5081-5099.e27). This amino acid position is highly conserved in available vertebrate species. In addition, the in silico prediction for this alteration is inconclusive. Based on the available evidence, the clinical significance of this variant remains unclear.

Labcorp Genetics (formerly Invitae), Labcorp
Classification: Uncertain significance for Ataxia-telangiectasia syndrome. Last evaluated: 2025-08-29. Review status: criteria provided, single submitter. Criteria: Invitae Variant Classification Sherloc (09022015). Collection method: clinical testing. Allele origin: germline.
Comment: This sequence change replaces valine, which is neutral and non-polar, with isoleucine, which is neutral and non-polar, at codon 2926 of the ATM protein (p.Val2926Ile). This variant is not present in population databases (gnomAD no frequency). This variant has not been reported in the literature in individuals affected with ATM-related conditions. ClinVar contains an entry for this variant (Variation ID: 1058540). Invitae Evidence Modeling of protein sequence and biophysical properties (such as structural, functional, and spatial information, amino acid conservation, physicochemical variation, residue mobility, and thermodynamic stability) has been performed for this missense variant. However, the output from this modeling did not meet the statistical confidence thresholds required to predict the impact of this variant on ATM protein function. In summary, the available evidence is currently insufficient to determine the role of this variant in disease. Therefore, it has been classified as a Variant of Uncertain Significance.

Literature cited by the submitters: PubMed 40580951 (cited by Ambry Genetics).